The following is an entry in ClinVar:

NM_004448.4(ERBB2):c.439+2T>C

Gene: ERBB2 (erb-b2 receptor tyrosine kinase 2; plus strand). Cytogenetic location: 17q12.
Variant type: single nucleotide variant.
Coding change: c.439+2T>C on transcript NM_004448.4 (MANE Select); the canonical splice donor site of the intron after coding-DNA position 439, T replaced by C.
Molecular consequence: splice donor variant. On other transcripts: intron variant (1).
Genome position (GRCh38, 1-based): chr17:39,708,536, T>C. VCF-style: chr17-39708536-T-C. GRCh37 (hg19) VCF-style: chr17-37864789-T-C.
Other names: c.439+2T>C (NM_001382787.1, NM_001382784.1, NM_001382786.1 and 19 more transcripts); c.430+2T>C (NM_001382791.1); c.74-3392T>C (NM_001382804.1); c.349+2T>C (NM_001382782.1, NM_001005862.3, NM_001289938.2 and 1 more transcripts); c.394+2T>C (NM_001289936.2).
Identifiers: ClinVar variation 2893438 (VCV002893438.3), dbSNP rs1567898617, ClinGen allele CA399273248.

ClinVar aggregate classification (germline): Uncertain significance (1 of 4 stars; one submission).

Allele frequency attached by ClinVar (database versions not stated): gnomAD exomes 0.00001.
gnomAD v4.1: 3 of 1,612,530 alleles (0.00019%); highest among the groups gnomAD compares: Non-Finnish European, 0.00025%; no homozygotes.

Submission:

Labcorp Genetics (formerly Invitae), Labcorp
Classification: Uncertain significance. Last evaluated: 2023-03-30. Review status: criteria provided, single submitter. Criteria: Invitae Variant Classification Sherloc (09022015). Collection method: clinical testing. Allele origin: germline.
Comment: In summary, the available evidence is currently insufficient to determine the role of this variant in disease. Therefore, it has been classified as a Variant of Uncertain Significance. Algorithms developed to predict the effect of sequence changes on RNA splicing suggest that this variant may disrupt the consensus splice site. This variant has not been reported in the literature in individuals affected with ERBB2-related conditions. This variant is not present in population databases (gnomAD no frequency). This sequence change affects a donor splice site in intron 3 of the ERBB2 gene. It is expected to disrupt RNA splicing. Variants that disrupt the donor or acceptor splice site typically lead to a loss of protein function (PMID: 16199547), however the current clinical and genetic evidence is not sufficient to establish whether loss-of-function variants in ERBB2 cause disease.

Literature cited by the submitters: PubMed 16199547.